The following is an entry in ClinVar:

NM_001267550.2(TTN):c.83851G>C (p.Gly27951Arg)

Genes: TTN (titin; minus strand), TTN-AS1 (TTN antisense RNA 1; plus strand). Cytogenetic location: 2q31.2.
Variant type: single nucleotide variant.
Coding change: c.83851G>C on transcript NM_001267550.2 (MANE Select); coding-DNA position 83851, G replaced by C.
Protein change: p.Gly27951Arg; replaces glycine 27951 with arginine.
Molecular consequence: missense variant.
Genome position (GRCh38, 1-based): chr2:178,562,281, C>G on the plus strand (G>C on the coding strand, the complement: TTN is on the minus strand). VCF-style: chr2-178562281-C-G. GRCh37 (hg19) VCF-style: chr2-179427008-C-G.
Other names: c.78928G>C, p.Gly26310Arg (NM_001256850.1); c.56656G>C, p.Gly18886Arg (NM_003319.4); c.76147G>C, p.Gly25383Arg (NM_133378.4); c.57031G>C, p.Gly19011Arg (NM_133432.3); c.57232G>C, p.Gly19078Arg (NM_133437.4); short protein forms G25383R, G27951R, G26310R, G18886R, G19078R, G19011R.
Identifiers: ClinVar variation 191872 (VCV000191872.1), dbSNP rs786205374, ClinGen allele CA237752.

ClinVar aggregate classification (germline): Uncertain significance (1 of 4 stars; one submission).

Submission:

Biesecker Lab/Clinical Genomics Section, National Institutes of Health
Classification: Uncertain significance. Last evaluated: 2013-06-24. Review status: criteria provided, single submitter. Criteria: Ng et al. (Circ Cardiovasc Genet. 2013). Collection method: research. Allele origin: unknown. Observed: 1 variant allele. Study: ClinSeq.
Comment: The study set was not selected for affection status in relation to any cancer. Pathogenicity categories were based on literature curation. See Pubmed ID:23861362 for details.

Medical sequencing